The following is an entry in ClinVar:

ClinVar aggregate classification (germline): Pathogenic (1 of 4 stars; one submission).

Conditions:
Mitochondrial trifunctional protein deficiency. Identifiers: Orphanet 746, MedGen C1969443, MONDO:0012172.
Long chain 3-hydroxyacyl-CoA dehydrogenase deficiency. Also called: LCHAD Deficiency; Deficiency of long-chain 3-hydroxyacyl-coenzyme A dehydrogenase. Identifiers: Orphanet 5, MedGen C3711645, MONDO:0012173, OMIM 609016.

Submission:

Labcorp Genetics (formerly Invitae), Labcorp
Classification: Pathogenic for Mitochondrial trifunctional protein deficiency; Long chain 3-hydroxyacyl-CoA dehydrogenase deficiency. Last evaluated: 2021-02-25. Review status: criteria provided, single submitter. Criteria: Invitae Variant Classification Sherloc (09022015). Collection method: clinical testing. Allele origin: germline.
Comment: For these reasons, this variant has been classified as Pathogenic. This variant disrupts the C-terminus of the HADHA protein. Other variant(s) that disrupt this region (p.Phe744Thrfs*10) have been determined to be pathogenic (PMID: 12237653, 21549624). This suggests that variants that disrupt this region of the protein are likely to be causative of disease. This variant has not been reported in the literature in individuals with HADHA-related conditions. This variant is a gross deletion of the genomic region encompassing exon(s) 18-20 of the HADHA gene. The 5' boundary is likely confined to intron 17. The 3' end of this event is unknown as it extends through the termination codon beyond the assayed region for this gene and may encompass additional genes. While this deletion is not anticipated to lead to nonsense mediated decay, it is expected to alter mRNA translation or result in a truncated protein product.

Literature cited by the submitters: PubMed 12237653; PubMed 21549624.

NC_000002.11:g.(?_26414109)_(26415303_?)del

Gene: HADHA (hydroxyacyl-CoA dehydrogenase trifunctional multienzyme complex subunit alpha; minus strand). Cytogenetic location: 2p23.3.
Variant type: Deletion.
Identifiers: ClinVar variation 1454661 (VCV001454661.11).